The following is an entry in ClinVar:

NM_001395413.1(POR):c.772G>A (p.Val258Met)

Gene: POR (cytochrome p450 oxidoreductase; plus strand). Cytogenetic location: 7q11.23.
Variant type: single nucleotide variant.
Coding change: c.772G>A on transcript NM_001395413.1 (MANE Select); coding-DNA position 772, G replaced by A.
Protein change: p.Val258Met; replaces valine 258 with methionine.
Molecular consequence: missense variant.
Genome position (GRCh38, 1-based): chr7:75,982,273, G>A. VCF-style: chr7-75982273-G-A. GRCh37 (hg19) VCF-style: chr7-75611591-G-A.
Other names: c.781G>A (NM_000941.2); c.772G>A, p.Val258Met (NM_001367562.3, NM_001382657.2, NM_001382658.3 and 2 more transcripts); c.826G>A, p.Val276Met (NM_001382655.3); short protein forms V258M, V276M.
Identifiers: ClinVar variation 1489227 (VCV001489227.7), dbSNP rs1371752607, ClinGen allele CA367748533.

ClinVar aggregate classification (germline): Uncertain significance. Review status: criteria provided, multiple submitters, no conflicts (2 of 4 stars). 2 submissions from 2 submitters: Uncertain significance (2). Last evaluated 2025-10-24.

Conditions:
Inborn genetic diseases. Identifiers: MedGen C0950123, MeSH D030342.
Congenital adrenal hyperplasia due to cytochrome P450 oxidoreductase deficiency. Also called: DISORDERED STEROIDOGENESIS DUE TO POR DEFICIENCY. Identifiers: Orphanet 95699, MedGen C1860042, MONDO:0013310, OMIM 613571.

Allele frequency attached by ClinVar (database versions not stated): gnomAD exomes below 0.00001; TOPMed 0.00001; gnomAD 0.00002.

Submissions (2):

Ambry Genetics
Classification: Uncertain significance for Inborn genetic diseases. Last evaluated: 2025-10-24. Review status: criteria provided, single submitter. Criteria: Ambry Variant Classification Scheme 2023. Collection method: clinical testing. Allele origin: germline.

Labcorp Genetics (formerly Invitae), Labcorp
Classification: Uncertain significance for Congenital adrenal hyperplasia due to cytochrome P450 oxidoreductase deficiency. Last evaluated: 2021-09-24. Review status: criteria provided, single submitter. Criteria: Invitae Variant Classification Sherloc (09022015). Collection method: clinical testing. Allele origin: germline.
Comment: This sequence change replaces valine with methionine at codon 261 of the POR protein (p.Val261Met). The valine residue is highly conserved and there is a small physicochemical difference between valine and methionine. This variant is not present in population databases (ExAC no frequency). This variant has not been reported in the literature in individuals with POR-related conditions. Algorithms developed to predict the effect of missense changes on protein structure and function are either unavailable or do not agree on the potential impact of this missense change (SIFT: "Deleterious"; PolyPhen-2: "Possibly Damaging"; Align-GVGD: "Class C0"). In summary, the available evidence is currently insufficient to determine the role of this variant in disease. Therefore, it has been classified as a Variant of Uncertain Significance.